The following is an entry in ClinVar:

ClinVar aggregate classification (germline): Uncertain significance (1 of 4 stars; one submission).

Conditions:
Catecholaminergic polymorphic ventricular tachycardia (CVPT). Also called: Catecholamine-induced polymorphic ventricular tachycardia. Identifiers: Orphanet 3286, MedGen C5574922, MONDO:0017990.

Allele frequency attached by ClinVar (database versions not stated): ExAC 0.00001; gnomAD exomes 0.00001.
gnomAD v4.1: 18 of 1,613,572 alleles (0.0011%); highest among the groups gnomAD compares: Non-Finnish European, 0.0014%; no homozygotes.

Submission:

All of Us Research Program, National Institutes of Health
Classification: Uncertain significance for Catecholaminergic polymorphic ventricular tachycardia. Last evaluated: 2023-05-04. Review status: criteria provided, single submitter. Criteria: ACMG Guidelines, 2015. Collection method: clinical testing. Allele origin: germline. Inheritance: Autosomal dominant inheritance. Observed: 1 variant allele, 1 heterozygote.
Comment: This missense variant replaces glutamine with glutamic acid at codon 3728 of the RYR2 protein. Computational prediction suggests that this variant may have deleterious impact on protein structure and function (internally defined REVEL score threshold >= 0.7, PMID: 27666373). To our knowledge, functional studies have not been reported for this variant. This variant has been reported in one individual affected with arrhythmia (PMID: 30847666). This variant has been identified in 1/248730 chromosomes in the general population by the Genome Aggregation Database (gnomAD). The available evidence is insufficient to determine the role of this variant in disease conclusively. Therefore, this variant is classified as a Variant of Uncertain Significance.

This study involves interpretation of variants in research participants for the purpose of population health screening. Participant phenotype was not available at the time of variant classification. Additional details can be found in publication PMID: 35346344, PMCID: PMC8962531

Literature cited by the submitters: PubMed 30847666.

NM_001035.3(RYR2):c.11182C>G (p.Gln3728Glu)

Gene: RYR2 (ryanodine receptor 2; plus strand). Cytogenetic location: 1q43.
Variant type: single nucleotide variant.
Coding change: c.11182C>G on transcript NM_001035.3 (MANE Select); coding-DNA position 11182, C replaced by G.
Protein change: p.Gln3728Glu; replaces glutamine 3728 with glutamic acid.
Molecular consequence: missense variant.
Genome position (GRCh38, 1-based): chr1:237,756,324, C>G. VCF-style: chr1-237756324-C-G. GRCh37 (hg19) VCF-style: chr1-237919624-C-G.
Other names: short protein forms Q3728E.
Identifiers: ClinVar variation 3070883 (VCV003070883.1), dbSNP rs764121632, ClinGen allele CA084798.
Genomic context (GRCh38, chr1:237,756,324, plus strand): 5'-TAAATGGTTGGGATTTGTGTTCAGGAAAAAGAAATGGAAAAGCAAAAGCTTCTATACCAG[C>G]AAGCCCGACTCCACGATCGTGGCGCGGCTGAGATGGTGCTACAGACAATCAGTGCCAGCA-3'
Protein context (NP_001026.2, residues 3718-3738): EMEKQKLLYQ[Gln3728Glu]ARLHDRGAAE